The following is an entry in ClinVar:

ClinVar aggregate classification (germline): Uncertain significance (1 of 4 stars; one submission).

Conditions:
Neurofibromatosis, type 1 (NF1). Also called: Peripheral type neurofibromatosis; VON RECKLINGHAUSEN DISEASE; Neurofibromatosis, type I; NEUROFIBROMATOSIS, TYPE I, SOMATIC. Identifiers: Orphanet 636, MedGen C0027831, MONDO:0018975, OMIM 162200. Disease mechanism: loss of function.

Submission:

Labcorp Genetics (formerly Invitae), Labcorp
Classification: Uncertain significance for Neurofibromatosis, type 1. Last evaluated: 2019-08-17. Review status: criteria provided, single submitter. Criteria: Invitae Variant Classification Sherloc (09022015). Collection method: clinical testing. Allele origin: germline.
Comment: This sequence change falls in intron 47 of the NF1 gene. It does not directly change the encoded amino acid sequence of the NF1 protein, but it affects a nucleotide within the consensus splice site of the intron. This variant is not present in population databases (ExAC no frequency). This variant has not been reported in the literature in individuals with NF1-related conditions. Nucleotide substitutions within the consensus splice site are a relatively common cause of aberrant splicing (PMID: 17576681, 9536098). In summary, the available evidence is currently insufficient to determine the role of this variant in disease. Therefore, it has been classified as a Variant of Uncertain Significance.

Literature cited by the submitters: PubMed 17576681; PubMed 9536098.

NM_001042492.3(NF1):c.7190-3T>C

Gene: NF1 (neurofibromin 1; plus strand). Cytogenetic location: 17q11.2.
Variant type: single nucleotide variant.
Coding change: c.7190-3T>C on transcript NM_001042492.3 (MANE Select); 3 bases into the intron before coding-DNA position 7190, T replaced by C.
Molecular consequence: intron variant.
Genome position (GRCh38, 1-based): chr17:31,349,117, T>C. VCF-style: chr17-31349117-T-C. GRCh37 (hg19) VCF-style: chr17-29676135-T-C.
Other names: c.7127-3T>C (NM_000267.4).
Identifiers: ClinVar variation 938123 (VCV000938123.6), dbSNP rs2070073286, ClinGen allele CA1139665468.